The following is an entry in ClinVar:

NM_005570.4(LMAN1):c.539del (p.Asn180fs)

Gene: LMAN1 (lectin, mannose binding 1; minus strand). Cytogenetic location: 18q21.32.
Variant type: Deletion.
Coding change: c.539del on transcript NM_005570.4 (MANE Select); coding-DNA position 539, one base deleted (A; older notation c.539delA).
Protein change: p.Asn180fs; shifts the reading frame from asparagine 180.
Molecular consequence: frameshift variant.
Genome position (GRCh38, 1-based): chr18:59,354,519, T deleted on the plus strand (A on the coding strand, the reverse complement: LMAN1 is on the minus strand); the first of 4 consecutive T bases (chr18:59,354,519-59,354,522); deleting any one gives the same sequence. VCF-style (leftmost placement, unchanged base first): chr18-59354518-CT-C. GRCh37 (hg19) VCF-style: chr18-57021750-CT-C.
Other names: short protein forms N180fs.
Identifiers: ClinVar variation 4751314 (VCV004751314.1).

ClinVar aggregate classification (germline): Pathogenic (1 of 4 stars; one submission).

Submission:

Labcorp Genetics (formerly Invitae), Labcorp
Classification: Pathogenic. Last evaluated: 2026-01-18. Review status: criteria provided, single submitter. Criteria: Invitae Variant Classification Sherloc (09022015). Collection method: clinical testing. Allele origin: germline.
Comment: This sequence change creates a premature translational stop signal (p.Asn180Metfs*33) in the LMAN1 gene. It is expected to result in an absent or disrupted protein product. Loss-of-function variants in LMAN1 are known to be pathogenic (PMID: 10090935). This variant is not present in population databases (gnomAD no frequency). This variant has not been reported in the literature in individuals affected with LMAN1-related conditions. Algorithms developed to predict the effect of sequence changes on RNA splicing suggest that this variant may disrupt the consensus splice site. For these reasons, this variant has been classified as Pathogenic.

Literature cited by the submitters: PubMed 10090935.